The following is an entry in ClinVar:

ClinVar aggregate classification (germline): Conflicting classifications of pathogenicity. Review status: criteria provided, conflicting classifications (1 of 4 stars). 7 submissions from 6 submitters: Uncertain significance (2); Benign (2); Likely benign (3). Last evaluated 2026-04-16.

Conditions:
USH2A-related disorder. Also called: USH2A-related condition; USH2A-related disorders. Identifiers: MedGen CN239332.
Retinitis pigmentosa (RP). Identifiers: Orphanet 791, MedGen C0035334, MeSH D012174, MONDO:0019200, OMIM 268000. Inheritance: Autosomal dominant, autosomal recessive and X linked inheritance.
Usher syndrome type 2A. Also called: RETINAL DISEASE IN USHER SYNDROME TYPE IIA, MODIFIER OF; USHER SYNDROME, TYPE IIA. Identifiers: Orphanet 231178, Orphanet 886, MedGen C1848634, MONDO:0010169, OMIM 276901.

Allele frequency attached by ClinVar (database versions not stated): 1000 Genomes Project 30x 0.00016; 1000 Genomes Project 0.00020; TOPMed 0.00048; gnomAD 0.00057 and 0.00058; ExAC 0.00067; gnomAD exomes 0.00077; ESP Exome Variant Server 0.00092.
gnomAD v4.1: 881 of 1,613,834 alleles (0.055%); highest among the groups gnomAD compares: Admixed American, 0.11%; 1 homozygote.

Submissions (7):

PreventionGenetics, part of Exact Sciences
Classification: Benign for USH2A-related condition. Last evaluated: 2026-04-16. Review status: criteria provided, single submitter. Criteria: ACMG Guidelines, 2015. Collection method: clinical testing. Allele origin: germline.
Comment: This variant is classified as benign based on ACMG/AMP sequence variant interpretation guidelines (Richards et al. 2015 PMID: 25741868, with internal and published modifications).

Labcorp Genetics (formerly Invitae), Labcorp
Classification: Benign. Last evaluated: 2026-01-28. Review status: criteria provided, single submitter. Criteria: Invitae Variant Classification Sherloc (09022015). Collection method: clinical testing. Allele origin: germline.

Blueprint Genetics
Classification: Likely benign. Last evaluated: 2024-09-13. Review status: criteria provided, single submitter. Criteria: ACMG Guidelines, 2015. Collection method: clinical testing. Allele origin: germline.

Illumina Laboratory Services, Illumina
Classification: Uncertain significance for Usher syndrome type 2A. Last evaluated: 2018-01-13. Review status: criteria provided, single submitter. Criteria: ICSL Variant Classification Criteria 13 December 2019. Collection method: clinical testing. Allele origin: germline.

Illumina Laboratory Services, Illumina
Classification: Uncertain significance for Retinitis pigmentosa. Last evaluated: 2018-01-13. Review status: criteria provided, single submitter. Criteria: ICSL Variant Classification Criteria 13 December 2019. Collection method: clinical testing. Allele origin: germline.

GeneDx
Classification: Likely benign. Last evaluated: 2016-02-04. Review status: criteria provided, single submitter. Criteria: GeneDx Variant Classification (06012015). Collection method: clinical testing. Allele origin: germline. Affected: yes.
Comment: This variant is considered likely benign or benign based on one or more of the following criteria: it is a conservative change, it occurs at a poorly conserved position in the protein, it is predicted to be benign by multiple in silico algorithms, and/or has population frequency not consistent with disease.

Laboratory for Molecular Medicine, Mass General Brigham Personalized Medicine
Classification: Likely benign. Last evaluated: 2015-06-08. Review status: criteria provided, single submitter. Criteria: LMM Criteria. Collection method: clinical testing. Allele origin: germline. Observed: 4 variant alleles.
Comment: 485+12T>C in intron 2 of USH2A: This variant is not expected to have clinical si gnificance because it is not located within the splice consensus sequence. This variant has been identified in 69/66702 European chromosomes from a broad popul ation by the Exome Aggregation Consortium (ExAC; dbSNP rs201857884).

NM_206933.4(USH2A):c.485+12T>C

Gene: USH2A (usherin; minus strand). Cytogenetic location: 1q41.
Variant type: single nucleotide variant.
Coding change: c.485+12T>C on transcript NM_206933.4 (MANE Select); 12 bases into the intron after coding-DNA position 485, T replaced by C.
Molecular consequence: intron variant.
Genome position (GRCh38, 1-based): chr1:216,421,840, A>G on the plus strand (T>C on the coding strand, the complement: USH2A is on the minus strand). VCF-style: chr1-216421840-A-G. GRCh37 (hg19) VCF-style: chr1-216595182-A-G.
Other names: c.485+12T>C (NM_007123.6).
Identifiers: ClinVar variation 166533 (VCV000166533.20), dbSNP rs201857884, ClinGen allele CA179593.